The following is an entry in ClinVar:

ClinVar aggregate classification (germline): Uncertain significance (1 of 4 stars; one submission).

Conditions:
Hereditary breast ovarian cancer syndrome. Also called: Hereditary breast and ovarian cancer syndrome; Hereditary breast and ovarian cancer syndrome (HBOC); BRCA1- and BRCA2-Associated Hereditary Breast and Ovarian Cancer; Hereditary breast and ovarian cancer; Breast and ovarian cancer; Hereditary breast and/or ovarian cancer syndrome. Identifiers: Orphanet 145, MedGen C0677776, MeSH D061325, MONDO:0003582. Disease mechanism: loss of function.

Submission:

Labcorp Genetics (formerly Invitae), Labcorp
Classification: Uncertain significance for Hereditary breast ovarian cancer syndrome. Last evaluated: 2024-05-15. Review status: criteria provided, single submitter. Criteria: Invitae Variant Classification Sherloc (09022015). Collection method: clinical testing. Allele origin: germline.
Comment: This sequence change replaces threonine, which is neutral and polar, with proline, which is neutral and non-polar, at codon 1040 of the BRCA2 protein (p.Thr1040Pro). This variant is not present in population databases (gnomAD no frequency). This variant has not been reported in the literature in individuals affected with BRCA2-related conditions. Advanced modeling of protein sequence and biophysical properties (such as structural, functional, and spatial information, amino acid conservation, physicochemical variation, residue mobility, and thermodynamic stability) performed at Invitae indicates that this missense variant is not expected to disrupt BRCA2 protein function with a negative predictive value of 95%. In summary, the available evidence is currently insufficient to determine the role of this variant in disease. Therefore, it has been classified as a Variant of Uncertain Significance.

NM_000059.4(BRCA2):c.3118A>C (p.Thr1040Pro)

Gene: BRCA2 (BRCA2 DNA repair associated; plus strand). Cytogenetic location: 13q13.1.
Variant type: single nucleotide variant.
Coding change: c.3118A>C on transcript NM_000059.4 (MANE Select); coding-DNA position 3118, A replaced by C.
Protein change: p.Thr1040Pro; replaces threonine 1040 with proline.
Molecular consequence: missense variant. On other transcripts: non-coding transcript variant (1), intron variant (2).
Genome position (GRCh38, 1-based): chr13:32,337,473, A>C. VCF-style: chr13-32337473-A-C. GRCh37 (hg19) VCF-style: chr13-32911610-A-C.
Other names: c.3118A>C, p.Thr1040Pro (NM_001406719.1, NM_001406720.1, NM_001432077.1); c.1909+4086A>C (NM_001406721.1); c.424+6443A>C (NM_001406722.1); short protein forms T1040P.
Identifiers: ClinVar variation 3636453 (VCV003636453.2).